The following is an entry in ClinVar:

ClinVar aggregate classification (germline): Pathogenic/Likely pathogenic. Review status: criteria provided, multiple submitters, no conflicts (2 of 4 stars). 3 submissions from 3 submitters: Pathogenic (1); Likely pathogenic (1). 1 of the submissions does not count toward it. Last evaluated 2024-03-19.

Conditions:
LAMB2-related infantile-onset nephrotic syndrome. Also called: NEPHROTIC SYNDROME, TYPE 5, WITHOUT OCULAR ABNORMALITIES; NEPHROTIC SYNDROME, TYPE 5, WITH OCULAR ABNORMALITIES; Nephrotic Syndrome, type 5. Identifiers: Orphanet 306507, MedGen C3280113, MONDO:0013621, OMIM 614199.
Pierson syndrome. Also called: MICROCORIA-CONGENITAL NEPHROTIC SYNDROME. Identifiers: Orphanet 2670, MedGen C1836876, MONDO:0012184, OMIM 609049.

Allele frequency attached by ClinVar (database versions not stated): TOPMed below 0.00001; gnomAD 0.00001.

Submissions (3):

Fulgent Genetics
Classification: Likely pathogenic for Pierson syndrome; LAMB2-related infantile-onset nephrotic syndrome. Last evaluated: 2024-03-19. Review status: criteria provided, single submitter. Criteria: ACMG Guidelines, 2015. Collection method: clinical testing. Allele origin: germline.

MVZ Medizinische Genetik Mainz
Classification: Pathogenic for Pierson syndrome. Last evaluated: 2023-10-13. Review status: criteria provided, single submitter. Criteria: UK Practice Guidelines For Variant Classification V4 01 2020. Collection method: clinical testing. Allele origin: germline. Inheritance: Autosomal recessive inheritance. Affected: yes. Observed: 1 variant allele.
Comment: ACMG Criteria: PS3_MOD,PM3,PM5,PP3_MOD,PM2_SUP

OMIM
Classification: Pathogenic for NEPHROTIC SYNDROME, TYPE 5, WITHOUT OCULAR ABNORMALITIES. Last evaluated: 2006-09-01. Review status: no assertion criteria provided. Collection method: literature only. Allele origin: germline. Not counted in ClinVar's aggregate classification.

Literature cited by the submitters: PubMed 16912710 (cited by OMIM).

NM_002292.4(LAMB2):c.737G>A (p.Arg246Gln)

Gene: LAMB2 (laminin subunit beta 2; minus strand). Cytogenetic location: 3p21.31.
Variant type: single nucleotide variant.
Coding change: c.737G>A on transcript NM_002292.4 (MANE Select); coding-DNA position 737, G replaced by A.
Protein change: p.Arg246Gln; replaces arginine 246 with glutamine.
Molecular consequence: missense variant.
Genome position (GRCh38, 1-based): chr3:49,131,128, C>T on the plus strand (G>A on the coding strand, the complement: LAMB2 is on the minus strand). VCF-style: chr3-49131128-C-T. GRCh37 (hg19) VCF-style: chr3-49168561-C-T.
Other names: short protein forms R246Q.
Identifiers: ClinVar variation 14534 (VCV000014534.3), dbSNP rs121912491, ClinGen allele CA124112.
Genomic context (GRCh38, chr3:49,131,128, plus strand): 5'-ATCTCCCTCCGTGGGTCGAGTAGGTTGTCTCCCAACGTGTGTAGACGAGTCAGGTTCACC[C>T]GTAGGTTGGTGATCTTCAACAGGTCTGAGGCGGGGGAAGGGGGGCCAACTGACCAGGCAG-3'
Protein context (NP_002283.3, residues 236-256): IQNLLKITNL[Arg246Gln]VNLTRLHTLG